The following is an entry in ClinVar:

NM_001201543.2(FAM161A):c.1959G>T (p.Glu653Asp)

Gene: FAM161A (FAM161 centrosomal protein A; minus strand). Cytogenetic location: 2p15.
Variant type: single nucleotide variant.
Coding change: c.1959G>T on transcript NM_001201543.2 (MANE Select); coding-DNA position 1959, G replaced by T.
Protein change: p.Glu653Asp; replaces glutamic acid 653 with aspartic acid.
Molecular consequence: missense variant. On other transcripts: non-coding transcript variant (1).
Genome position (GRCh38, 1-based): chr2:61,827,151, C>A on the plus strand (G>T on the coding strand, the complement: FAM161A is on the minus strand). VCF-style: chr2-61827151-C-A. GRCh37 (hg19) VCF-style: chr2-62054286-C-A.
Other names: c.1791G>T, p.Glu597Asp (NM_032180.3); short protein forms E597D, E653D.
Identifiers: ClinVar variation 718004 (VCV000718004.23), dbSNP rs201052209, ClinGen allele CA1678987.

ClinVar aggregate classification (germline): Benign. Review status: criteria provided, multiple submitters, no conflicts (2 of 4 stars). 5 submissions from 5 submitters: Benign (4). 1 of the submissions does not count toward it. Last evaluated 2026-02-02.

Conditions:
Retinitis pigmentosa (RP). Identifiers: Orphanet 791, MedGen C0035334, MeSH D012174, MONDO:0019200, OMIM 268000. Inheritance: Autosomal dominant, autosomal recessive and X linked inheritance.
Retinitis pigmentosa 28 (RP28). Identifiers: Orphanet 791, MedGen C1419614, MONDO:0011630, OMIM 606068.

Allele frequency attached by ClinVar (database versions not stated): gnomAD 0.00010 and 0.00176; TOPMed 0.00036; gnomAD exomes 0.00297 and 0.00627; ExAC 0.00694; 1000 Genomes Project 30x 0.00999; 1000 Genomes Project 0.01058.
gnomAD v4.1: 4,676 of 1,613,930 alleles (0.29%); highest among the groups gnomAD compares: South Asian, 4.8%; 163 homozygotes.

Submissions (5):

Labcorp Genetics (formerly Invitae), Labcorp
Classification: Benign. Last evaluated: 2026-02-02. Review status: criteria provided, single submitter. Criteria: Invitae Variant Classification Sherloc (09022015). Collection method: clinical testing. Allele origin: germline.

ARUP Laboratories, Molecular Genetics and Genomics, ARUP Laboratories
Classification: Benign for Retinitis pigmentosa 28. Last evaluated: 2019-05-22. Review status: criteria provided, single submitter. Criteria: ARUP Molecular Germline Variant Investigation Process. Collection method: clinical testing. Allele origin: germline.

Illumina Laboratory Services, Illumina
Classification: Benign for Retinitis pigmentosa. Last evaluated: 2017-04-27. Review status: criteria provided, single submitter. Criteria: ICSL Variant Classification Criteria 13 December 2019. Collection method: clinical testing. Allele origin: germline.
Comment: This variant was observed as part of a predisposition screen in an ostensibly healthy population. A literature search was performed for the gene, cDNA change, and amino acid change (where applicable). Publications were found based on this search. The evidence from the literature, in combination with allele frequency data from public databases where available, was sufficient to rule this variant out of causing disease. Therefore, this variant is classified as benign.

Breakthrough Genomics
Classification: Benign. Review status: criteria provided, single submitter. Criteria: ACMG Guidelines, 2015. Collection method: not provided. Allele origin: germline. Inheritance: Unknown mechanism. Affected: yes.

Natera, Inc.
Classification: Likely benign for Retinitis pigmentosa. Last evaluated: 2020-01-10. Review status: no assertion criteria provided. Collection method: clinical testing. Allele origin: germline. Not counted in ClinVar's aggregate classification.

Literature cited by the submitters: PubMed 25007332 (cited by Illumina Laboratory Services, Illumina).